The following is an entry in ClinVar:

NM_001099922.3(ALG13):c.2091-8C>G

Gene: ALG13 (ALG13 UDP-N-acetylglucosaminyltransferase subunit; plus strand). Cytogenetic location: Xq23.
Variant type: single nucleotide variant.
Coding change: c.2091-8C>G on transcript NM_001099922.3 (MANE Select); 8 bases into the intron before coding-DNA position 2091, C replaced by G.
Molecular consequence: intron variant.
Genome position (GRCh38, 1-based): chrX:111,727,606, C>G. VCF-style: chrX-111727606-C-G. GRCh37 (hg19) VCF-style: chrX-110970834-C-G.
Other names: c.1779-8C>G (NM_001257237.2, NM_001257234.2, NM_001257230.2); c.1605-8C>G (NM_001324293.1); c.1857-8C>G (NM_001257231.2); c.2091-8C>G (NM_001324292.2).
Identifiers: ClinVar variation 668249 (VCV000668249.4), dbSNP rs939425312, ClinGen allele CA334444520.

ClinVar aggregate classification (germline): Likely benign. Review status: criteria provided, multiple submitters, no conflicts (2 of 4 stars). 2 submissions from 2 submitters: Likely benign (2). Last evaluated 2023-08-04.

Conditions:
Developmental and epileptic encephalopathy, 36 (DEE36). Also called: Congenital disorder of glycosylation, type Is; ALG13-CDG; Epileptic encephalopathy, early infantile, 36. Identifiers: Orphanet 324422, MedGen C4317295, MONDO:0010472, OMIM 300884.

Allele frequency attached by ClinVar (database versions not stated): gnomAD exomes 0.00001.
gnomAD v4.1: 10 of 1,188,297 alleles (0.00084%); highest among the groups gnomAD compares: Non-Finnish European, 0.0011%; no homozygotes.

Submissions (2):

Labcorp Genetics (formerly Invitae), Labcorp
Classification: Likely benign for Developmental and epileptic encephalopathy, 36. Last evaluated: 2023-08-04. Review status: criteria provided, single submitter. Criteria: Invitae Variant Classification Sherloc (09022015). Collection method: clinical testing. Allele origin: germline.

GeneDx
Classification: Likely benign. Last evaluated: 2018-05-18. Review status: criteria provided, single submitter. Criteria: GeneDx Variant Classification (06012015). Collection method: clinical testing. Allele origin: germline. Affected: yes.
Comment: This variant is considered likely benign or benign based on one or more of the following criteria: it is a conservative change, it occurs at a poorly conserved position in the protein, it is predicted to be benign by multiple in silico algorithms, and/or has population frequency not consistent with disease.